The following is an entry in ClinVar:

NM_001166114.2(PNPLA6):c.1378C>T (p.Pro460Ser)

Gene: PNPLA6 (patatin like domain 6, lysophospholipase; plus strand). Cytogenetic location: 19p13.2.
Variant type: single nucleotide variant.
Coding change: c.1378C>T on transcript NM_001166114.2 (MANE Select); coding-DNA position 1378, C replaced by T.
Protein change: p.Pro460Ser; replaces proline 460 with serine.
Molecular consequence: missense variant.
Genome position (GRCh38, 1-based): chr19:7,542,776, C>T. VCF-style: chr19-7542776-C-T. GRCh37 (hg19) VCF-style: chr19-7607662-C-T.
Other names: c.1405C>T, p.Pro469Ser (NM_001166111.2); c.1261C>T, p.Pro421Ser (NM_001166112.2, NM_001166113.1, NM_006702.5); short protein forms P421S, P460S, P469S.
Identifiers: ClinVar variation 1058533 (VCV001058533.9), dbSNP rs757610420, ClinGen allele CA9139804.
Genomic context (GRCh38, chr19:7,542,776, plus strand): 5'-TGGCTGGGAGGGAGCATCAGGAGGTCACAAGCCTGCCCCACTCAGACCCCCACTCAGGAG[C>T]CTCGTGAGCAGCCGGCAGGCGCCTGTGAATACAGCTACTGTGAGGATGAGTCGGCCACTG-3'
Protein context (NP_001159586.1, residues 450-470): AAPARTPTQE[Pro460Ser]REQPAGACEY

ClinVar aggregate classification (germline): Uncertain significance (1 of 4 stars; one submission).

Conditions:
Hereditary spastic paraplegia 39 (SPG39). Also called: SPASTIC PARAPLEGIA 39, AUTOSOMAL RECESSIVE; Spastic Paraplegia Type 39 (SPG39). Identifiers: Orphanet 139480, MedGen C2677586, MONDO:0012787, OMIM 612020.

Allele frequency attached by ClinVar (database versions not stated): TOPMed below 0.00001; ExAC 0.00001; gnomAD 0.00001; gnomAD exomes 0.00001.
gnomAD v4.1: 38 of 1,612,850 alleles (0.0024%); highest among the groups gnomAD compares: Non-Finnish European, 0.0032%; no homozygotes.

Submission:

Labcorp Genetics (formerly Invitae), Labcorp
Classification: Uncertain significance for Hereditary spastic paraplegia 39. Last evaluated: 2020-09-12. Review status: criteria provided, single submitter. Criteria: Invitae Variant Classification Sherloc (09022015). Collection method: clinical testing. Allele origin: germline.
Comment: In summary, the available evidence is currently insufficient to determine the role of this variant in disease. Therefore, it has been classified as a Variant of Uncertain Significance. Algorithms developed to predict the effect of missense changes on protein structure and function (SIFT, PolyPhen-2, Align-GVGD) all suggest that this variant is likely to be tolerated, but these predictions have not been confirmed by published functional studies and their clinical significance is uncertain. This variant has not been reported in the literature in individuals with PNPLA6-related conditions. This variant is present in population databases (rs757610420, ExAC 0.002%). This sequence change replaces proline with serine at codon 421 of the PNPLA6 protein (p.Pro421Ser). The proline residue is weakly conserved and there is a moderate physicochemical difference between proline and serine.